The following is an entry in ClinVar:

NM_017950.4(CCDC40):c.3355C>T (p.Pro1119Ser)

Gene: CCDC40 (coiled-coil domain 40 molecular ruler complex subunit; plus strand). Cytogenetic location: 17q25.3.
Variant type: single nucleotide variant.
Coding change: c.3355C>T on transcript NM_017950.4 (MANE Select); coding-DNA position 3355, C replaced by T.
Protein change: p.Pro1119Ser; replaces proline 1119 with serine.
Molecular consequence: missense variant.
Genome position (GRCh38, 1-based): chr17:80,099,701, C>T. VCF-style: chr17-80099701-C-T. GRCh37 (hg19) VCF-style: chr17-78073500-C-T.
Other names: short protein forms P1119S.
Identifiers: ClinVar variation 2362526 (VCV002362526.3), dbSNP rs777697239, ClinGen allele CA8814714.

ClinVar aggregate classification (germline): Uncertain significance. Review status: criteria provided, multiple submitters, no conflicts (2 of 4 stars). 2 submissions from 2 submitters: Uncertain significance (2). Last evaluated 2026-01-08.

Conditions:
Primary ciliary dyskinesia. Also called: Ciliary dyskinesia. Identifiers: Orphanet 244, MedGen C0008780, MONDO:0016575, HP:0012265.

Allele frequency attached by ClinVar (database versions not stated): gnomAD exomes 0.00001; ExAC 0.00002; gnomAD 0.00002; TOPMed 0.00004.
gnomAD v4.1: 13 of 1,613,720 alleles (0.00081%); highest among the groups gnomAD compares: East Asian, 0.0022%; no homozygotes.

Submissions (2):

Labcorp Genetics (formerly Invitae), Labcorp
Classification: Uncertain significance for Primary ciliary dyskinesia. Last evaluated: 2026-01-08. Review status: criteria provided, single submitter. Criteria: Invitae Variant Classification Sherloc (09022015). Collection method: clinical testing. Allele origin: germline.
Comment: This sequence change replaces proline, which is neutral and non-polar, with serine, which is neutral and polar, at codon 1119 of the CCDC40 protein (p.Pro1119Ser). This variant is present in population databases (rs777697239, gnomAD 0.02%). This variant has not been reported in the literature in individuals affected with CCDC40-related conditions. ClinVar contains an entry for this variant (Variation ID: 2362526). Invitae Evidence Modeling of protein sequence and biophysical properties (such as structural, functional, and spatial information, amino acid conservation, physicochemical variation, residue mobility, and thermodynamic stability) indicates that this missense variant is expected to disrupt CCDC40 protein function with a positive predictive value of 80%. In summary, the available evidence is currently insufficient to determine the role of this variant in disease. Therefore, it has been classified as a Variant of Uncertain Significance.

Ambry Genetics
Classification: Uncertain significance for Primary ciliary dyskinesia. Last evaluated: 2021-09-01. Review status: criteria provided, single submitter. Criteria: Ambry Variant Classification Scheme 2023. Collection method: clinical testing. Allele origin: germline.